The following is an entry in ClinVar:

ClinVar aggregate classification (germline): Likely pathogenic (1 of 4 stars; one submission).

Conditions:
Anemia, nonspherocytic hemolytic, due to G6PD deficiency (CNSHA1). Also called: Hemolytic anemia due to G6PD deficiency; Class I glucose-6-phosphate dehydrogenase deficiency; Favism, susceptibility to; ANEMIA, CONGENITAL, NONSPHEROCYTIC HEMOLYTIC, 1. Identifiers: Orphanet 466026, MedGen C2720289, MONDO:0010480, OMIM 300908.

Submission:

Dunham Lab, University of Washington
Classification: Likely pathogenic for Anemia, nonspherocytic hemolytic, due to G6PD deficiency. Last evaluated: 2022-08-12. Review status: criteria provided, single submitter. Criteria: Bayesian ACMG Guidelines, 2018. Collection method: curation. Allele origin: unknown. Affected: yes.
Comment: Undetectable activity in red blood cells (PS3). Not found in gnomAD (PM2). Post_P 0.949 (odds of pathogenicity 168.4, Prior_P 0.1).

Literature cited by the submitters: PubMed 11271380.

NM_001360016.2(G6PD):c.853C>T (p.Arg285Cys)

Gene: G6PD (glucose-6-phosphate dehydrogenase; minus strand). Cytogenetic location: Xq28.
Variant type: single nucleotide variant.
Coding change: c.853C>T on transcript NM_001360016.2 (MANE Select); coding-DNA position 853, C replaced by T.
Protein change: p.Arg285Cys; replaces arginine 285 with cysteine.
Molecular consequence: missense variant.
Genome position (GRCh38, 1-based): chrX:154,533,587, G>A on the plus strand (C>T on the coding strand, the complement: G6PD is on the minus strand). VCF-style: chrX-154533587-G-A. GRCh37 (hg19) VCF-style: chrX-153761802-G-A.
Other names: G6PD Osaka; c.943C>T, p.Arg315Cys (NM_000402.4); c.853C>T, p.Arg285Cys (NM_001042351.3); short protein forms R285C, R315C.
Identifiers: ClinVar variation 1722593 (VCV001722593.2), dbSNP rs2523265386, ClinGen allele CA415235082.